The following is an entry in ClinVar:

NM_173569.4(UBN2):c.660G>A (p.Glu220=)

Gene: UBN2 (ubinuclein 2; plus strand). Cytogenetic location: 7q34.
Variant type: single nucleotide variant.
Coding change: c.660G>A on transcript NM_173569.4 (MANE Select); coding-DNA position 660, G replaced by A.
Protein change: p.Glu220=; no amino-acid change (glutamic acid 220 retained).
Molecular consequence: synonymous variant.
Genome position (GRCh38, 1-based): chr7:139,252,054, G>A. VCF-style: chr7-139252054-G-A. GRCh37 (hg19) VCF-style: chr7-138936800-G-A.
Identifiers: ClinVar variation 725977 (VCV000725977.5), dbSNP rs190576580, ClinGen allele CA4508686.

ClinVar aggregate classification (germline): Benign. Review status: criteria provided, single submitter (1 of 4 stars). 2 submissions from 2 submitters: Benign (1). 1 of the submissions does not count toward it. Last evaluated 2018-04-20.

Conditions:
UBN2-related disorder. Also called: UBN2-related condition.

Allele frequency attached by ClinVar (database versions not stated): gnomAD exomes 0.00019 and 0.00067; ExAC 0.00078; ESP Exome Variant Server 0.00194; gnomAD 0.00252 and 0.00266; 1000 Genomes Project 0.00260; TOPMed 0.00280; 1000 Genomes Project 30x 0.00297.
gnomAD v4.1: 681 of 1,613,114 alleles (0.042%); highest among the groups gnomAD compares: African/African-American, 0.78%; 3 homozygotes.

Submissions (2):

Labcorp Genetics (formerly Invitae), Labcorp
Classification: Benign. Last evaluated: 2018-04-20. Review status: criteria provided, single submitter. Criteria: Invitae Variant Classification Sherloc (09022015). Collection method: clinical testing. Allele origin: germline.

PreventionGenetics, part of Exact Sciences
Classification: Benign for UBN2-related condition. Last evaluated: 2019-06-18. Review status: no assertion criteria provided. Collection method: clinical testing. Allele origin: germline. Not counted in ClinVar's aggregate classification.
Comment: This variant is classified as benign based on ACMG/AMP sequence variant interpretation guidelines (Richards et al. 2015 PMID: 25741868, with internal and published modifications).